The following is an entry in ClinVar:

ClinVar aggregate classification (germline): Uncertain significance. Review status: criteria provided, multiple submitters, no conflicts (2 of 4 stars). 5 submissions from 5 submitters: Uncertain significance (5). Last evaluated 2025-10-04.

Conditions:
Emery-Dreifuss muscular dystrophy 4, autosomal dominant (EDMD4). Also called: EMERY-DREIFUSS MUSCULAR DYSTROPHY 4 WITH VARIABLE FEATURES. Identifiers: Orphanet 261, MedGen C2751807, MONDO:0013071, OMIM 612998.
Autosomal recessive ataxia, Beauce type. Also called: SYNE1 Deficiency; SYNE1-Related Autosomal Recessive Cerebellar Ataxia; Spinocerebellar ataxia, autosomal recessive 8; ATAXIA, RECESSIVE, OF BEAUCE. Identifiers: Orphanet 88644, MedGen C1853116, MONDO:0012549, OMIM 610743.

Allele frequency attached by ClinVar (database versions not stated): gnomAD 0.00001; TOPMed 0.00002; ExAC 0.00005.
gnomAD v4.1: 60 of 1,614,068 alleles (0.0037%); highest among the groups gnomAD compares: Middle Eastern, 0.016%; no homozygotes.

Submissions (5):

Labcorp Genetics (formerly Invitae), Labcorp
Classification: Uncertain significance for Emery-Dreifuss muscular dystrophy 4, autosomal dominant; Autosomal recessive ataxia, Beauce type. Last evaluated: 2025-10-04. Review status: criteria provided, single submitter. Criteria: Invitae Variant Classification Sherloc (09022015). Collection method: clinical testing. Allele origin: germline.
Comment: This sequence change replaces lysine, which is basic and polar, with asparagine, which is neutral and polar, at codon 3719 of the SYNE1 protein (p.Lys3719Asn). This variant is present in population databases (rs761089261, gnomAD 0.004%). This variant has not been reported in the literature in individuals affected with SYNE1-related conditions. ClinVar contains an entry for this variant (Variation ID: 594079). An algorithm developed to predict the effect of missense changes on protein structure and function (PolyPhen-2) suggests that this variant is likely to be tolerated. In summary, the available evidence is currently insufficient to determine the role of this variant in disease. Therefore, it has been classified as a Variant of Uncertain Significance.

GeneDx
Classification: Uncertain significance. Last evaluated: 2025-08-21. Review status: criteria provided, single submitter. Criteria: GeneDx Variant Classification Process June 2021. Collection method: clinical testing. Allele origin: germline. Affected: yes.
Comment: In silico analysis suggests that this missense variant does not alter protein structure/function; Has not been previously published as pathogenic or benign to our knowledge

CeGaT Center for Human Genetics Tuebingen
Classification: Uncertain significance. Last evaluated: 2024-05-01. Review status: criteria provided, single submitter. Criteria: CeGaT Center For Human Genetics Tuebingen Variant Classification Criteria Version 2. Collection method: clinical testing. Allele origin: germline. Affected: yes. Observed: 1 variant allele.
Comment: SYNE1: PM2, BP4

Blueprint Genetics
Classification: Uncertain significance. Last evaluated: 2024-03-08. Review status: criteria provided, single submitter. Criteria: ACMG Guidelines, 2015. Collection method: clinical testing. Allele origin: germline.

Eurofins Ntd Llc (ga)
Classification: Uncertain significance. Last evaluated: 2017-09-15. Review status: criteria provided, single submitter. Criteria: EGL Classification Definitions 2015. Collection method: clinical testing. Allele origin: germline. Observed: 1 variant allele, 1 heterozygote.

NM_182961.4(SYNE1):c.11202G>C (p.Lys3734Asn)

Gene: SYNE1 (spectrin repeat containing nuclear envelope protein 1; minus strand). Cytogenetic location: 6q25.2.
Variant type: single nucleotide variant.
Coding change: c.11202G>C on transcript NM_182961.4 (MANE Select); coding-DNA position 11202, G replaced by C.
Protein change: p.Lys3734Asn; replaces lysine 3734 with asparagine.
Molecular consequence: missense variant.
Genome position (GRCh38, 1-based): chr6:152,353,314, C>G on the plus strand (G>C on the coding strand, the complement: SYNE1 is on the minus strand). VCF-style: chr6-152353314-C-G. GRCh37 (hg19) VCF-style: chr6-152674449-C-G.
Other names: c.11157G>C (NM_033071.3); c.11157G>C, p.Lys3719Asn (NM_033071.5); short protein forms K3719N, K3734N.
Identifiers: ClinVar variation 594079 (VCV000594079.32), dbSNP rs761089261, ClinGen allele CA4056755.